The following is an entry in ClinVar:

NM_033380.3(COL4A5):c.2079dup (p.Ile694fs)

Gene: COL4A5 (collagen type IV alpha 5 chain; plus strand). Cytogenetic location: Xq22.3.
Variant type: Duplication.
Coding change: c.2079dup on transcript NM_033380.3 (MANE Select); coding-DNA position 2079, one base duplicated (G; older notation c.2079dupG).
Protein change: p.Ile694fs; shifts the reading frame from isoleucine 694.
Molecular consequence: frameshift variant.
Genome position (GRCh38, 1-based): chrX:108,601,922, G duplicated; the last of 3 consecutive G bases (chrX:108,601,920-108,601,922); duplicating any one gives the same sequence. VCF-style (leftmost placement, unchanged base first): chrX-108601919-A-AG. GRCh37 (hg19) VCF-style: chrX-107845149-A-AG.
Other names: c.2079dup, p.Ile694fs (NM_000495.5); short protein forms I694fs.
Identifiers: ClinVar variation 5011889 (VCV005011889.1).

ClinVar aggregate classification (germline): Pathogenic (1 of 4 stars; one submission).

Conditions:
X-linked Alport syndrome (ATS1). Also called: NEPHROPATHY AND DEAFNESS, X-LINKED; COL4A5-Related Nephropathy. Identifiers: Orphanet 63, Orphanet 88917, MedGen C4746986, MONDO:0010520, OMIM 301050.

Submission:

Myriad Genetics, Inc.
Classification: Pathogenic for X-linked Alport syndrome. Last evaluated: 2023-09-27. Review status: criteria provided, single submitter. Criteria: Myriad Autosomal Dominant, Autosomal Recessive and X-Linked Classification Criteria (2023). Collection method: clinical testing. Allele origin: unknown.
Comment: NM_000495.4(COL4A5):c.2079dupG(I694Dfs*4) is expected to be pathogenic in the context of X-linked Alport syndrome. This variant is predicted to lead to an abnormal or absent protein product due to the creation of a premature termination codon in COL4A5, a gene where loss-of-function variants are known to be pathogenic. Please note: this variant was assessed in the context of healthy population screening.